The following is an entry in ClinVar:

ClinVar aggregate classification (germline): Uncertain significance (1 of 4 stars; one submission).

Conditions:
Vici syndrome (VICIS). Identifiers: Orphanet 1493, MedGen C1855772, MONDO:0009452, OMIM 242840.

gnomAD v4.1: 2 of 1,613,980 alleles (0.00012%); highest among the groups gnomAD compares: East Asian, 0.0045%; no homozygotes.

Submission:

Labcorp Genetics (formerly Invitae), Labcorp
Classification: Uncertain significance for Vici syndrome. Last evaluated: 2022-03-19. Review status: criteria provided, single submitter. Criteria: Invitae Variant Classification Sherloc (09022015). Collection method: clinical testing. Allele origin: germline.
Comment: This sequence change replaces lysine, which is basic and polar, with threonine, which is neutral and polar, at codon 204 of the EPG5 protein (p.Lys204Thr). This variant is present in population databases (no rsID available, gnomAD 0.006%). This variant has not been reported in the literature in individuals affected with EPG5-related conditions. Algorithms developed to predict the effect of missense changes on protein structure and function output the following: SIFT: "Tolerated"; PolyPhen-2: "Benign"; Align-GVGD: "Class C0". The threonine amino acid residue is found in multiple mammalian species, which suggests that this missense change does not adversely affect protein function. In summary, the available evidence is currently insufficient to determine the role of this variant in disease. Therefore, it has been classified as a Variant of Uncertain Significance.

NM_020964.3(EPG5):c.611A>C (p.Lys204Thr)

Gene: EPG5 (ectopic P-granules 5 autophagy tethering factor; minus strand). Cytogenetic location: 18q21.1.
Variant type: single nucleotide variant.
Coding change: c.611A>C on transcript NM_020964.3 (MANE Select); coding-DNA position 611, A replaced by C.
Protein change: p.Lys204Thr; replaces lysine 204 with threonine.
Molecular consequence: missense variant.
Genome position (GRCh38, 1-based): chr18:45,954,791, T>G on the plus strand (A>C on the coding strand, the complement: EPG5 is on the minus strand). VCF-style: chr18-45954791-T-G. GRCh37 (hg19) VCF-style: chr18-43534757-T-G.
Other names: short protein forms K204T.
Identifiers: ClinVar variation 1357015 (VCV001357015.6), dbSNP rs749123170, ClinGen allele CA402351344.